The following is an entry in ClinVar:

ClinVar aggregate classification (germline): Likely pathogenic (1 of 4 stars; one submission).

Conditions:
Ellis-van Creveld syndrome (EVC). Also called: EVC-Related Ellis-van Creveld Syndrome; EVC2-Related Ellis-van Creveld Syndrome; MESOECTODERMAL DYSPLASIA; Chondroectodermal dysplasia. Identifiers: Orphanet 289, MedGen C0013903, MONDO:0009162, OMIM 225500.

Submission:

Myriad Genetics, Inc.
Classification: Likely pathogenic for Ellis-van Creveld syndrome. Last evaluated: 2022-03-01. Review status: criteria provided, single submitter. Criteria: Myriad Women's Health Autosomal Recessive and X-Linked Classification Criteria (2021). Collection method: clinical testing. Allele origin: unknown.
Comment: NM_153717.2(EVC):c.29_30insA(S10Rfs*63) is expected to be pathogenic in the context of EVC-related Ellis-van Creveld syndrome. This variant is predicted to lead to an abnormal or absent protein product due to the creation of a premature termination codon in EVC, a gene where loss-of-function variants are known to be pathogenic. Please note: this variant was assessed in the context of healthy population screening.

NM_153717.3(EVC):c.29_30insA (p.Ser10fs)

Genes: EVC (EvC ciliary complex subunit 1; plus strand), LOC129992144 (ATAC-STARR-seq lymphoblastoid silent region 15223; plus strand). Cytogenetic location: 4p16.2.
Variant type: Insertion.
Coding change: c.29_30insA on transcript NM_153717.3 (MANE Select); coding-DNA positions 29 to 30, A inserted.
Protein change: p.Ser10fs; shifts the reading frame from serine 10.
Molecular consequence: frameshift variant.
Genome position: GRCh38 VCF-style: chr4-5711409-G-GA. GRCh37 (hg19) VCF-style: chr4-5713136-G-GA.
Other names: c.29_30insA, p.Ser10fs (NM_001306090.2, NM_001306092.2); short protein forms S10fs.
Identifiers: ClinVar variation 1724853 (VCV001724853.2), dbSNP rs2474192211, ClinGen allele CA2580070794.